The following is an entry in ClinVar:

ClinVar aggregate classification (germline): Uncertain significance. Review status: criteria provided, multiple submitters, no conflicts (2 of 4 stars). 4 submissions from 2 submitters: Uncertain significance (4). Last evaluated 2018-01-13.

Conditions:
Maturity-onset diabetes of the young type 13. Also called: MODY, TYPE 13. Identifiers: Orphanet 552, MedGen C4225365, MONDO:0014589, OMIM 616329.
Maturity-onset diabetes of the young (MODY). Also called: Maturity onset diabetes mellitus in young. Identifiers: Orphanet 552, MedGen C0342276, MONDO:0018911, HP:0004904.
Diabetes mellitus, transient neonatal, 3 (TNDM3). Identifiers: Orphanet 99886, MedGen C1864623, MONDO:0012522, OMIM 610582. Disease mechanism: loss of function.
Hyperinsulinemic hypoglycemia, familial, 2. Also called: HYPERINSULINEMIC HYPOGLYCEMIA, PERSISTENT; HYPERINSULINISM, NEONATAL. Identifiers: Orphanet 276580, Orphanet 276603, MedGen C2931833, MONDO:0011153, OMIM 601820. Disease mechanism: loss of function.

Submissions (4):

Illumina Laboratory Services, Illumina
Classification: Uncertain significance for Hyperinsulinemic hypoglycemia, familial, 2. Last evaluated: 2018-01-13. Review status: criteria provided, single submitter. Criteria: ICSL Variant Classification Criteria 13 December 2019. Collection method: clinical testing. Allele origin: germline.

Illumina Laboratory Services, Illumina
Classification: Uncertain significance for Diabetes mellitus, transient neonatal, 3. Last evaluated: 2018-01-13. Review status: criteria provided, single submitter. Criteria: ICSL Variant Classification Criteria 13 December 2019. Collection method: clinical testing. Allele origin: germline.

Illumina Laboratory Services, Illumina
Classification: Uncertain significance for Maturity-onset diabetes of the young type 13. Last evaluated: 2018-01-13. Review status: criteria provided, single submitter. Criteria: ICSL Variant Classification Criteria 13 December 2019. Collection method: clinical testing. Allele origin: germline.

Clinical Genomics, Uppaluri K&H Personalized Medicine Clinic
Classification: Uncertain significance for Maturity-onset diabetes of the young. Review status: criteria provided, single submitter. Criteria: K & H Uppaluri Personalized Medicine Clinic Variant Classification & Assertion Criteria_Updated V.1. Collection method: research. Allele origin: somatic. Inheritance: Autosomal dominant inheritance.
Comment: Mutations in KCNJ11 gene can cause decreased production and secretion of insulin. This can lead to MODY which may be responsive to oral sulfonylureas. It is also associated with Neonatal Diabetes. However, no sufficient evidence is found to ascertain the role of this particular variant (rs886048035) in MODY yet.

Literature cited by the submitters: PubMed 26448950 (cited by Clinical Genomics, Uppaluri K&H Personalized Medicine Clinic); PubMed 15580558 (cited by Clinical Genomics, Uppaluri K&H Personalized Medicine Clinic); PubMed 15718250 (cited by Clinical Genomics, Uppaluri K&H Personalized Medicine Clinic); PubMed 32935446 (cited by Clinical Genomics, Uppaluri K&H Personalized Medicine Clinic); PubMed 22701567 (cited by Clinical Genomics, Uppaluri K&H Personalized Medicine Clinic).

NM_000525.4(KCNJ11):c.*732C>T

Gene: KCNJ11 (potassium inwardly rectifying channel subfamily J member 11; minus strand). Cytogenetic location: 11p15.1.
Variant type: single nucleotide variant.
Coding change: c.*732C>T on transcript NM_000525.4 (MANE Select); 732 bases downstream of the stop codon, C replaced by T.
Molecular consequence: 3 prime UTR variant.
Genome position (GRCh38, 1-based): chr11:17,386,187, G>A on the plus strand (C>T on the coding strand, the complement: KCNJ11 is on the minus strand). VCF-style: chr11-17386187-G-A. GRCh37 (hg19) VCF-style: chr11-17407734-G-A.
Other names: c.*732C>T (NM_001166290.2, NM_001377296.1, NM_001377297.1).
Identifiers: ClinVar variation 303714 (VCV000303714.6), dbSNP rs886048035, ClinGen allele CA10637937.